The following is an entry in ClinVar:

ClinVar aggregate classification (germline): Uncertain significance. Review status: criteria provided, multiple submitters, no conflicts (2 of 4 stars). 2 submissions from 2 submitters: Uncertain significance (2). Last evaluated 2023-04-10.

Conditions:
Epidermolysis bullosa simplex 5B, with muscular dystrophy (EBS5B). Also called: Epidermolysis bullosa simplex with muscular dystrophy; EPIDERMOLYSIS BULLOSA SIMPLEX AND LIMB-GIRDLE MUSCULAR DYSTROPHY. Identifiers: Orphanet 257, MedGen C2931072, MONDO:0009181, OMIM 226670.
Epidermolysis bullosa simplex, Ogna type (EBS5A). Also called: Pidermolysis bullosa simplex 5A, Ogna type; EPIDERMOLYSIS BULLOSA SIMPLEX 5A, OGNA TYPE. Identifiers: Orphanet 79401, MedGen C0432317, MONDO:0007555, OMIM 131950.
Autosomal recessive limb-girdle muscular dystrophy type 2Q (LGMDR17). Also called: MUSCULAR DYSTROPHY, LIMB-GIRDLE, AUTOSOMAL RECESSIVE 17. Identifiers: Orphanet 254361, MedGen C3150989, MONDO:0013390, OMIM 613723.
Epidermolysis bullosa simplex with nail dystrophy (EBS5D). Identifiers: MedGen C4225309, MONDO:0014661, OMIM 616487.
Epidermolysis bullosa simplex 5C, with pyloric atresia (EBS5C). Also called: Epidermolysis bullosa simplex with pyloric atresia; PLEC-Related Epidermolysis Bullosa with Pyloric Atresia; PLEC1-Related Epidermolysis Bullosa with Pyloric Atresia. Identifiers: Orphanet 158684, MedGen C2677349, MONDO:0012807, OMIM 612138.

Allele frequency attached by ClinVar (database versions not stated): ExAC 0.00001; gnomAD exomes 0.00002; gnomAD 0.00004; TOPMed 0.00004; ESP Exome Variant Server 0.00008.
gnomAD v4.1: 53 of 1,612,386 alleles (0.0033%); highest among the groups gnomAD compares: African/African-American, 0.008%; no homozygotes.

Submissions (2):

Labcorp Genetics (formerly Invitae), Labcorp
Classification: Uncertain significance for Autosomal recessive limb-girdle muscular dystrophy type 2Q; Epidermolysis bullosa simplex, Ogna type; Epidermolysis bullosa simplex with nail dystrophy; Epidermolysis bullosa simplex 5C, with pyloric atresia; Epidermolysis bullosa simplex 5B, with muscular dystrophy. Last evaluated: 2023-04-10. Review status: criteria provided, single submitter. Criteria: Invitae Variant Classification Sherloc (09022015). Collection method: clinical testing. Allele origin: germline.
Comment: This variant has not been reported in the literature in individuals affected with PLEC-related conditions. This variant is present in population databases (rs367949674, gnomAD 0.01%). ClinVar contains an entry for this variant (Variation ID: 957385). An algorithm developed to predict the effect of missense changes on protein structure and function (PolyPhen-2) suggests that this variant is likely to be disruptive. In summary, the available evidence is currently insufficient to determine the role of this variant in disease. Therefore, it has been classified as a Variant of Uncertain Significance. This sequence change replaces arginine, which is basic and polar, with tryptophan, which is neutral and slightly polar, at codon 2929 of the PLEC protein (p.Arg2929Trp).

Revvity Omics, Revvity
Classification: Uncertain significance. Last evaluated: 2023-03-02. Review status: criteria provided, single submitter. Criteria: ACMG Guidelines, 2015. Collection method: clinical testing. Allele origin: germline.

NM_201384.3(PLEC):c.8704C>T (p.Arg2902Trp)

Gene: PLEC (plectin; minus strand). Cytogenetic location: 8q24.3.
Variant type: single nucleotide variant.
Coding change: c.8704C>T on transcript NM_201384.3 (MANE Select); coding-DNA position 8704, C replaced by T.
Protein change: p.Arg2902Trp; replaces arginine 2902 with tryptophan.
Molecular consequence: missense variant.
Genome position (GRCh38, 1-based): chr8:143,921,117, G>A on the plus strand (C>T on the coding strand, the complement: PLEC is on the minus strand). VCF-style: chr8-143921117-G-A. GRCh37 (hg19) VCF-style: chr8-144995285-G-A.
Other names: c.8785C>T, p.Arg2929Trp (NM_000445.5); c.8662C>T, p.Arg2888Trp (NM_201378.4); c.8638C>T, p.Arg2880Trp (NM_201379.3); c.9115C>T, p.Arg3039Trp (NM_201380.4); c.8608C>T, p.Arg2870Trp (NM_201381.3); c.8704C>T, p.Arg2902Trp (NM_201382.4); c.8716C>T, p.Arg2906Trp (NM_201383.3); short protein forms R2880W, R2902W, R2929W, R2888W, R2906W, R3039W, R2870W.
Identifiers: ClinVar variation 957385 (VCV000957385.9), dbSNP rs367949674, ClinGen allele CA4925211.
Genomic context (GRCh38, chr8:143,921,117, plus strand): 5'-CCGTCTTGCCCTGGAACTTGCCGAACGGCGCAGACACGGTGGCCTTCTCAAAGACGTCCC[G>A]GGCCTCGGAGTCAGTGTAGACCAGCTCCCCGCCCTTGGCAGCCTTATCCGTGAGTGGCAG-3'
Protein context (NP_958786.1, residues 2892-2912): GELVYTDSEA[Arg2902Trp]DVFEKATVSA